The following is an entry in ClinVar:

NM_020921.4(NIN):c.644G>A (p.Gly215Asp)

Gene: NIN (ninein; minus strand). Cytogenetic location: 14q22.1.
Variant type: single nucleotide variant.
Coding change: c.644G>A on transcript NM_020921.4 (MANE Select); coding-DNA position 644, G replaced by A.
Protein change: p.Gly215Asp; replaces glycine 215 with aspartic acid.
Molecular consequence: missense variant.
Genome position (GRCh38, 1-based): chr14:50,776,971, C>T on the plus strand (G>A on the coding strand, the complement: NIN is on the minus strand). VCF-style: chr14-50776971-C-T. GRCh37 (hg19) VCF-style: chr14-51243689-C-T.
Other names: c.644G>A, p.Gly215Asp (NM_016350.5, NM_182944.3, NM_182946.2); short protein forms G215D.
Identifiers: ClinVar variation 3608552 (VCV003608552.2).
Genomic context (GRCh38, chr14:50,776,971, plus strand): 5'-CCATCATTATCATTCCTGAATTATACTGCGAGGCTTACCTCTCCATCCACATTCTGTAAA[C>T]CATACTGCTCACAGATGGAGACCAGCTTCTTCCGGTTCAGGTGACCATCACGGGTGATCC-3'
Protein context (NP_065972.4, residues 205-225): KKLVSICEQY[Gly215Asp]LQNVDGEMLE

ClinVar aggregate classification (germline): Uncertain significance (1 of 4 stars; one submission).

gnomAD v4.1: 1 of 1,613,534 alleles (0.000062%); highest among the groups gnomAD compares: East Asian, 0.0022%; no homozygotes.

Submission:

Labcorp Genetics (formerly Invitae), Labcorp
Classification: Uncertain significance. Last evaluated: 2024-10-23. Review status: criteria provided, single submitter. Criteria: Invitae Variant Classification Sherloc (09022015). Collection method: clinical testing. Allele origin: germline.
Comment: This sequence change replaces glycine, which is neutral and non-polar, with aspartic acid, which is acidic and polar, at codon 215 of the NIN protein (p.Gly215Asp). This variant is present in population databases (no rsID available, gnomAD 0.006%). This variant has not been reported in the literature in individuals affected with NIN-related conditions. An algorithm developed to predict the effect of missense changes on protein structure and function (PolyPhen-2) suggests that this variant is likely to be disruptive. In summary, the available evidence is currently insufficient to determine the role of this variant in disease. Therefore, it has been classified as a Variant of Uncertain Significance.